The following is an entry in ClinVar:

ClinVar aggregate classification (germline): Uncertain significance (1 of 4 stars; one submission).

Conditions:
Neurofibromatosis, type 1 (NF1). Also called: Peripheral type neurofibromatosis; VON RECKLINGHAUSEN DISEASE; NEUROFIBROMATOSIS, TYPE I, SOMATIC; Neurofibromatosis, type I. Identifiers: Orphanet 636, MedGen C0027831, MONDO:0018975, OMIM 162200. Disease mechanism: loss of function.

gnomAD v4.1: 1 of 1,614,064 alleles (0.000062%); highest among the groups gnomAD compares: Admixed American, 0.0017%; no homozygotes.

Submission:

Labcorp Genetics (formerly Invitae), Labcorp
Classification: Uncertain significance for Neurofibromatosis, type 1. Last evaluated: 2024-01-11. Review status: criteria provided, single submitter. Criteria: Invitae Variant Classification Sherloc (09022015). Collection method: clinical testing. Allele origin: germline.
Comment: This sequence change replaces tyrosine, which is neutral and polar, with serine, which is neutral and polar, at codon 1254 of the NF1 protein (p.Tyr1254Ser). This variant is present in population databases (no rsID available, gnomAD 0.003%). This variant has not been reported in the literature in individuals affected with NF1-related conditions. Advanced modeling of protein sequence and biophysical properties (such as structural, functional, and spatial information, amino acid conservation, physicochemical variation, residue mobility, and thermodynamic stability) has been performed at Invitae for this missense variant, however the output from this modeling did not meet the statistical confidence thresholds required to predict the impact of this variant on NF1 protein function. In summary, the available evidence is currently insufficient to determine the role of this variant in disease. Therefore, it has been classified as a Variant of Uncertain Significance.

NM_001042492.3(NF1):c.3761A>C (p.Tyr1254Ser)

Gene: NF1 (neurofibromin 1; plus strand). Cytogenetic location: 17q11.2.
Variant type: single nucleotide variant.
Coding change: c.3761A>C on transcript NM_001042492.3 (MANE Select); coding-DNA position 3761, A replaced by C.
Protein change: p.Tyr1254Ser; replaces tyrosine 1254 with serine.
Molecular consequence: missense variant.
Genome position (GRCh38, 1-based): chr17:31,235,663, A>C. VCF-style: chr17-31235663-A-C. GRCh37 (hg19) VCF-style: chr17-29562681-A-C.
Other names: c.3761A>C, p.Tyr1254Ser (NM_000267.4); short protein forms Y1254S.
Identifiers: ClinVar variation 2708864 (VCV002708864.3), dbSNP rs1309286493, ClinGen allele CA398992501.